The following is an entry in ClinVar:

ClinVar aggregate classification (germline): Benign (1 of 4 stars; one submission).

Allele frequency attached by ClinVar (database versions not stated): TOPMed 0.09470; 1000 Genomes Project 30x 0.13616; 1000 Genomes Project 0.14696.
gnomAD v4.1: 16,281 of 151,068 alleles (11%); highest among the groups gnomAD compares: East Asian, 27%; 1,218 homozygotes.

Submission:

GeneDx
Classification: Benign. Last evaluated: 2018-06-19. Review status: criteria provided, single submitter. Criteria: GeneDx Variant Classification (06012015). Collection method: clinical testing. Allele origin: germline. Affected: yes.
Comment: This variant is considered likely benign or benign based on one or more of the following criteria: it is a conservative change, it occurs at a poorly conserved position in the protein, it is predicted to be benign by multiple in silico algorithms, and/or has population frequency not consistent with disease.

NM_001165963.4(SCN1A):c.3880-338T>C

Genes: SCN1A (sodium voltage-gated channel alpha subunit 1; minus strand), LOC102724058 (uncharacterized LOC102724058; plus strand). Cytogenetic location: 2q24.3.
Variant type: single nucleotide variant.
Coding change: c.3880-338T>C on transcript NM_001165963.4 (MANE Select); 338 bases into the intron before coding-DNA position 3880, T replaced by C.
Molecular consequence: intron variant.
Genome position (GRCh38, 1-based): chr2:166,010,179, A>G on the plus strand (T>C on the coding strand, the complement: SCN1A is on the minus strand). VCF-style: chr2-166010179-A-G. GRCh37 (hg19) VCF-style: chr2-166866689-A-G.
Other names: c.3847-338T>C (NM_001353949.2, NM_001353950.2, NM_001353951.2 and 2 more transcripts); c.3796-338T>C (NM_001353958.2, NM_001353957.2, NM_001165964.3); c.3880-338T>C (NM_001202435.3, NM_001353948.2); c.3844-338T>C (NM_001353955.2, NM_001353954.2); c.3793-338T>C (NM_001353960.2); c.1438-338T>C (NM_001353961.2).
Identifiers: ClinVar variation 684230 (VCV000684230.1), dbSNP rs72871943, ClinGen allele CA59772918.